The following is an entry in ClinVar:

NM_021625.5(TRPV4):c.1055A>G (p.Lys352Arg)

Gene: TRPV4 (transient receptor potential cation channel subfamily V member 4; minus strand). Cytogenetic location: 12q24.11.
Variant type: single nucleotide variant.
Coding change: c.1055A>G on transcript NM_021625.5 (MANE Select); coding-DNA position 1055, A replaced by G.
Protein change: p.Lys352Arg; replaces lysine 352 with arginine.
Molecular consequence: missense variant.
Genome position (GRCh38, 1-based): chr12:109,798,711, T>C on the plus strand (A>G on the coding strand, the complement: TRPV4 is on the minus strand). VCF-style: chr12-109798711-T-C. GRCh37 (hg19) VCF-style: chr12-110236516-T-C.
Other names: c.914A>G, p.Lys305Arg (NM_001177428.2, NM_001177433.2); c.953A>G, p.Lys318Arg (NM_001177431.2); c.1055A>G, p.Lys352Arg (NM_147204.3); short protein forms K305R, K352R, K318R.
Identifiers: ClinVar variation 1926790 (VCV001926790.5), dbSNP rs1890580070, ClinGen allele CA386654362.

ClinVar aggregate classification (germline): Uncertain significance (1 of 4 stars; one submission).

Conditions:
Charcot-Marie-Tooth disease axonal type 2C (HMSN2C). Also called: CHARCOT-MARIE-TOOTH DISEASE, AXONAL, AUTOSOMAL DOMINANT, TYPE 2C; Charcot-Marie-Tooth Neuropathy Type 2C; Charcot-Marie-Tooth Disease Type 2, TRPV4-Related (CMT2C). Identifiers: Orphanet 99937, MedGen C1853710, MONDO:0011633, OMIM 606071.

Allele frequency attached by ClinVar (database versions not stated): gnomAD exomes below 0.00001; TOPMed below 0.00001.
gnomAD v4.1: 1 of 1,614,026 alleles (0.000062%); highest among the groups gnomAD compares: East Asian, 0.0022%; no homozygotes.

Submission:

Labcorp Genetics (formerly Invitae), Labcorp
Classification: Uncertain significance for Charcot-Marie-Tooth disease axonal type 2C. Last evaluated: 2022-05-07. Review status: criteria provided, single submitter. Criteria: Invitae Variant Classification Sherloc (09022015). Collection method: clinical testing. Allele origin: germline.
Comment: In summary, the available evidence is currently insufficient to determine the role of this variant in disease. Therefore, it has been classified as a Variant of Uncertain Significance. Algorithms developed to predict the effect of missense changes on protein structure and function are either unavailable or do not agree on the potential impact of this missense change (SIFT: "Tolerated"; PolyPhen-2: "Probably Damaging"; Align-GVGD: "Class C0"). This variant has not been reported in the literature in individuals affected with TRPV4-related conditions. This variant is not present in population databases (gnomAD no frequency). This sequence change replaces lysine, which is basic and polar, with arginine, which is basic and polar, at codon 352 of the TRPV4 protein (p.Lys352Arg).